The following is an entry in ClinVar:

ClinVar aggregate classification (germline): Likely benign. Review status: criteria provided, multiple submitters, no conflicts (2 of 4 stars). 2 submissions from 2 submitters: Likely benign (2). Last evaluated 2022-06-01.

Conditions:
Nemaline myopathy 2 (NEM2). Also called: Nemaline myopathy 2, autosomal recessive. Identifiers: MedGen C1850569, MONDO:0009725, OMIM 256030.

gnomAD v4.1: 1 of 1,613,928 alleles (0.000062%); highest among the groups gnomAD compares: Non-Finnish European, 0.000085%; no homozygotes.

Submissions (2):

CeGaT Center for Human Genetics Tuebingen
Classification: Likely benign. Last evaluated: 2022-06-01. Review status: criteria provided, single submitter. Criteria: CeGaT Center For Human Genetics Tuebingen Variant Classification Criteria Version 2. Collection method: clinical testing. Allele origin: germline. Affected: yes. Observed: 1 variant allele.
Comment: NEB: PM2:Supporting, BP4, BP7

Labcorp Genetics (formerly Invitae), Labcorp
Classification: Likely benign for Nemaline myopathy 2. Last evaluated: 2022-02-02. Review status: criteria provided, single submitter. Criteria: Invitae Variant Classification Sherloc (09022015). Collection method: clinical testing. Allele origin: germline.

NM_001164508.2(NEB):c.9552A>G (p.Lys3184=)

Gene: NEB (nebulin; minus strand). Cytogenetic location: 2q23.3.
Variant type: single nucleotide variant.
Coding change: c.9552A>G on transcript NM_001164508.2 (MANE Select); coding-DNA position 9552, A replaced by G.
Protein change: p.Lys3184=; no amino-acid change (lysine 3184 retained).
Molecular consequence: synonymous variant. On other transcripts: intron variant (1).
Genome position (GRCh38, 1-based): chr2:151,631,209, T>C on the plus strand (A>G on the coding strand, the complement: NEB is on the minus strand). VCF-style: chr2-151631209-T-C. GRCh37 (hg19) VCF-style: chr2-152487723-T-C.
Other names: c.9552A>G, p.Lys3184= (NM_001164507.2, NM_001271208.2); c.8854-31A>G (NM_004543.5).
Identifiers: ClinVar variation 1079183 (VCV001079183.39), dbSNP rs2154073140, ClinGen allele CA429240159.